The following is an entry in ClinVar:

ClinVar aggregate classification (germline): Benign/Likely benign. Review status: criteria provided, multiple submitters, no conflicts (2 of 4 stars). 2 submissions from 2 submitters: Benign (1); Likely benign (1). Last evaluated 2026-04-23.

Conditions:
Colorectal cancer, susceptibility to, 1. Also called: COLORECTAL ADENOMA AND CANCER, SUSCEPTIBILITY TO; COLORECTAL CANCER, SUSCEPTIBILITY TO, ON CHROMOSOME 9. Identifiers: MedGen C1837315, MONDO:0012132, OMIM 608812.

Allele frequency attached by ClinVar (database versions not stated): gnomAD exomes 0.00002; ExAC 0.00009.

Submissions (2):

Myriad Genetics, Inc.
Classification: Benign for Colorectal cancer, susceptibility to, 1. Last evaluated: 2026-04-23. Review status: criteria provided, single submitter. Criteria: Myriad Autosomal Dominant, Autosomal Recessive and X-Linked Classification Criteria (2023). Collection method: clinical testing. Allele origin: unknown.
Comment: This variant is considered benign. This variant is a silent/synonymous amino acid change and it is not expected to impact splicing.

Ambry Genetics
Classification: Likely benign. Last evaluated: 2021-11-07. Review status: criteria provided, single submitter. Criteria: Ambry Variant Classification Scheme 2023. Collection method: clinical testing. Allele origin: germline.

NM_024642.5(GALNT12):c.273G>A (p.Leu91=)

Gene: GALNT12 (polypeptide N-acetylgalactosaminyltransferase 12; plus strand). Cytogenetic location: 9q22.33.
Variant type: single nucleotide variant.
Coding change: c.273G>A on transcript NM_024642.5 (MANE Select); coding-DNA position 273, G replaced by A.
Protein change: p.Leu91=; no amino-acid change (leucine 91 retained).
Molecular consequence: synonymous variant.
Genome position (GRCh38, 1-based): chr9:98,807,971, G>A. VCF-style: chr9-98807971-G-A. GRCh37 (hg19) VCF-style: chr9-101570253-G-A.
Identifiers: ClinVar variation 1795420 (VCV001795420.3), dbSNP rs756081879, ClinGen allele CA5153901.